The following is an entry in ClinVar:

ClinVar aggregate classification (germline): Benign/Likely benign. Review status: criteria provided, multiple submitters, no conflicts (2 of 4 stars). 4 submissions from 4 submitters: Benign (1); Likely benign (3). Last evaluated 2026-05-19.

Conditions:
Hereditary cancer-predisposing syndrome. Also called: Hereditary neoplastic syndrome; Neoplastic Syndromes, Hereditary; Hereditary Cancer Syndrome; Tumor predisposition. Identifiers: Orphanet 140162, MedGen C0027672, MeSH D009386, MONDO:0015356.
Cardiovascular phenotype. Identifiers: MedGen CN230736.
Neurofibromatosis, type 1 (NF1). Also called: Peripheral type neurofibromatosis; Neurofibromatosis, type I; VON RECKLINGHAUSEN DISEASE; NEUROFIBROMATOSIS, TYPE I, SOMATIC. Identifiers: Orphanet 636, MedGen C0027831, MONDO:0018975, OMIM 162200. Disease mechanism: loss of function.

Allele frequency attached by ClinVar (database versions not stated): gnomAD exomes 0.00001.
gnomAD v4.1: 9 of 1,613,314 alleles (0.00056%); highest among the groups gnomAD compares: Non-Finnish European, 0.00076%; no homozygotes.

Submissions (4):

Myriad Genetics, Inc.
Classification: Benign for Neurofibromatosis, type 1. Last evaluated: 2026-05-19. Review status: criteria provided, single submitter. Criteria: Myriad Autosomal Dominant, Autosomal Recessive and X-Linked Classification Criteria (2023). Collection method: clinical testing. Allele origin: unknown.
Comment: This variant is considered benign. This variant is a silent/synonymous amino acid change and it is not expected to impact splicing.

Labcorp Genetics (formerly Invitae), Labcorp
Classification: Likely benign for Neurofibromatosis, type 1. Last evaluated: 2024-10-29. Review status: criteria provided, single submitter. Criteria: Invitae Variant Classification Sherloc (09022015). Collection method: clinical testing. Allele origin: germline.

Genome-Nilou Lab
Classification: Likely benign for Neurofibromatosis, type 1. Last evaluated: 2022-03-15. Review status: criteria provided, single submitter. Criteria: ACMG Guidelines, 2015. Collection method: clinical testing. Allele origin: germline. Affected: no.

Ambry Genetics
Classification: Likely benign for Cardiovascular phenotype; Hereditary cancer-predisposing syndrome. Last evaluated: 2016-09-09. Review status: criteria provided, single submitter. Criteria: Ambry Variant Classification Scheme 2023. Collection method: clinical testing. Allele origin: germline.

NM_001042492.3(NF1):c.3960A>G (p.Glu1320=)

Gene: NF1 (neurofibromin 1; plus strand). Cytogenetic location: 17q11.2.
Variant type: single nucleotide variant.
Coding change: c.3960A>G on transcript NM_001042492.3 (MANE Select); coding-DNA position 3960, A replaced by G.
Protein change: p.Glu1320=; no amino-acid change (glutamic acid 1320 retained).
Molecular consequence: synonymous variant.
Genome position (GRCh38, 1-based): chr17:31,236,007, A>G. VCF-style: chr17-31236007-A-G. GRCh37 (hg19) VCF-style: chr17-29563025-A-G.
Other names: c.3960A>G, p.Glu1320= (NM_000267.4).
Identifiers: ClinVar variation 480156 (VCV000480156.13), dbSNP rs1555615564, ClinGen allele CA499232822.